The following is an entry in ClinVar:

NM_001164465.3(GOLGA6L10):c.1154G>A (p.Arg385Gln)

Gene: GOLGA6L10 (golgin A6 family like 10; minus strand). Cytogenetic location: 15q25.2.
Variant type: single nucleotide variant.
Coding change: c.1154G>A on transcript NM_001164465.3 (MANE Select); coding-DNA position 1154, G replaced by A.
Protein change: p.Arg385Gln; replaces arginine 385 with glutamine.
Molecular consequence: missense variant.
Genome position (GRCh38, 1-based): chr15:82,344,706, C>T on the plus strand (G>A on the coding strand, the complement: GOLGA6L10 is on the minus strand). VCF-style: chr15-82344706-C-T. GRCh37 (hg19) VCF-style: chr15-82637061-C-T.
Other names: NM_001164465.2:c.1025G>A; p.Arg342Gln; c.1196G>A, p.Arg399Gln (NM_001322400.1); short protein forms R385Q, R399Q.
Identifiers: ClinVar variation 402904 (VCV000402904.5), dbSNP rs201670904, ClinGen allele CA7698847.

ClinVar aggregate classification (germline): Benign. Review status: criteria provided, multiple submitters, no conflicts (2 of 4 stars). 2 submissions from 2 submitters: Benign (2). Last evaluated 2016-03-28.

Allele frequency attached by ClinVar (database versions not stated): gnomAD 0.00009 and 0.00011; 1000 Genomes Project 30x 0.00250; 1000 Genomes Project 0.81989; ExAC 0.86367.

Submissions (2):

Laboratory for Molecular Medicine, Mass General Brigham Personalized Medicine
Classification: Benign. Last evaluated: 2016-03-28. Review status: criteria provided, single submitter. Criteria: LMM Criteria. Collection method: clinical testing. Allele origin: germline.
Comment: Variant identified in a genome or exome case(s) and assessed due to predicted null impact of the variant or pathogenic assertions in the literature or databases. Disclaimer: This variant has not undergone full assessment. The following are preliminary notes: Frequency

Breakthrough Genomics
Classification: Benign. Review status: criteria provided, single submitter. Criteria: ACMG Guidelines, 2015. Collection method: not provided. Allele origin: germline. Inheritance: Unknown mechanism. Affected: yes.